The following is an entry in ClinVar:

NM_000238.4(KCNH2):c.2651A>G (p.Gln884Arg)

Gene: KCNH2 (potassium voltage-gated channel subfamily H member 2; minus strand). Cytogenetic location: 7q36.1.
Variant type: single nucleotide variant.
Coding change: c.2651A>G on transcript NM_000238.4 (MANE Select); coding-DNA position 2651, A replaced by G.
Protein change: p.Gln884Arg; replaces glutamine 884 with arginine.
Molecular consequence: missense variant.
Genome position (GRCh38, 1-based): chr7:150,948,485, T>C on the plus strand (A>G on the coding strand, the complement: KCNH2 is on the minus strand). VCF-style: chr7-150948485-T-C. GRCh37 (hg19) VCF-style: chr7-150645573-T-C.
Other names: c.1631A>G, p.Gln544Arg (NM_172057.3); short protein forms Q544R, Q884R.
Identifiers: ClinVar variation 633279 (VCV000633279.2), dbSNP rs1563149602, ClinGen allele CA369853736.

ClinVar aggregate classification (germline): Uncertain significance. Review status: criteria provided, multiple submitters, no conflicts (2 of 4 stars). 2 submissions from 2 submitters: Uncertain significance (2). Last evaluated 2024-07-20.

Conditions:
Long QT syndrome (LQTS). Identifiers: MedGen C0023976, MeSH D008133, MONDO:0002442. Disease mechanism: loss of function. Inheritance: Various modes of inheritance.

Submissions (2):

All of Us Research Program, National Institutes of Health
Classification: Uncertain significance for Long QT syndrome. Last evaluated: 2024-07-20. Review status: criteria provided, single submitter. Criteria: ACMG Guidelines, 2015. Collection method: clinical testing. Allele origin: germline. Inheritance: Autosomal dominant inheritance. Observed: 1 variant allele, 1 heterozygote.
Comment: This missense variant replaces glutamine with arginine at codon 884 of the KCNH2 protein. Computational prediction is inconclusive regarding the impact of this variant on protein structure and function (internally defined REVEL score threshold 0.5 < inconclusive < 0.7, PMID: 27666373). To our knowledge, functional studies have not been reported for this variant. This variant has not been reported in individuals affected with KCNH2-related disorders in the literature. This variant has not been identified in the general population by the Genome Aggregation Database (gnomAD). The available evidence is insufficient to determine the role of this variant in disease conclusively. Therefore, this variant is classified as a Variant of Uncertain Significance.

This study involves interpretation of variants in research participants for the purpose of population health screening. Participant phenotype was not available at the time of variant classification. Additional details can be found in publication PMID: 35346344, PMCID: PMC8962531

Women's Health and Genetics/Laboratory Corporation of America, LabCorp
Classification: Uncertain significance. Last evaluated: 2017-11-06. Review status: criteria provided, single submitter. Criteria: LabCorp Variant Classification Summary - May 2015. Collection method: clinical testing. Allele origin: germline.
Comment: Variant summary: The KCNH2 c.2651A>G (p.Gln884Arg) variant causes a missense change involving the alteration of a conserved nucleotide. 3/3 in silico tools predict a benign outcome for this variant (SNPsandGO not captured due to low reliability index). This variant is absent in 244534 control chromosomes in gnomAD. The variant of interest has not, to our knowledge, been reported in affected individuals via publications and/or reputable databases/clinical diagnostic laboratories; nor evaluated for functional impact by in vivo/vitro studies. Because of the absence of clinical information and the lack of functional studies, the variant is classified as a variant of uncertain significance (VUS).